The following is an entry in ClinVar:

NM_022054.4(KCNK13):c.394C>T (p.Leu132Phe)

Gene: KCNK13 (potassium two pore domain channel subfamily K member 13; plus strand). Cytogenetic location: 14q32.11.
Variant type: single nucleotide variant.
Coding change: c.394C>T on transcript NM_022054.4 (MANE Select); coding-DNA position 394, C replaced by T.
Protein change: p.Leu132Phe; replaces leucine 132 with phenylalanine.
Molecular consequence: missense variant.
Genome position (GRCh38, 1-based): chr14:90,184,170, C>T. VCF-style: chr14-90184170-C-T. GRCh37 (hg19) VCF-style: chr14-90650514-C-T.
Other names: short protein forms L132F.
Identifiers: ClinVar variation 2644447 (VCV002644447.24), dbSNP rs55730840, ClinGen allele CA7304224.

ClinVar aggregate classification (germline): Likely benign (1 of 4 stars; one submission).

Allele frequency attached by ClinVar (database versions not stated): 1000 Genomes Project 30x 0.00312; 1000 Genomes Project 0.00319; ExAC 0.00378; gnomAD 0.00541; TOPMed 0.00552; ESP Exome Variant Server 0.00623; gnomAD exomes 0.00659.
gnomAD v4.1: 10,458 of 1,614,220 alleles (0.65%); highest among the groups gnomAD compares: Non-Finnish European, 0.8%; 47 homozygotes.

Submission:

CeGaT Center for Human Genetics Tuebingen
Classification: Likely benign. Last evaluated: 2023-08-01. Review status: criteria provided, single submitter. Criteria: CeGaT Center For Human Genetics Tuebingen Variant Classification Criteria Version 2. Collection method: clinical testing. Allele origin: germline. Affected: yes. Observed: 1 variant allele.
Comment: KCNK13: BP4, BS2